The following is an entry in ClinVar:

NM_001267550.2(TTN):c.72814T>C (p.Cys24272Arg)

Genes: TTN (titin; minus strand), TTN-AS1 (TTN antisense RNA 1; plus strand). Cytogenetic location: 2q31.2.
Variant type: single nucleotide variant.
Coding change: c.72814T>C on transcript NM_001267550.2 (MANE Select); coding-DNA position 72814, T replaced by C.
Protein change: p.Cys24272Arg; replaces cysteine 24272 with arginine.
Molecular consequence: missense variant.
Genome position (GRCh38, 1-based): chr2:178,573,318, A>G on the plus strand (T>C on the coding strand, the complement: TTN is on the minus strand). VCF-style: chr2-178573318-A-G. GRCh37 (hg19) VCF-style: chr2-179438045-A-G.
Other names: c.67891T>C, p.Cys22631Arg (NM_001256850.1); c.45619T>C, p.Cys15207Arg (NM_003319.4); c.65110T>C, p.Cys21704Arg (NM_133378.4); c.45994T>C, p.Cys15332Arg (NM_133432.3); c.46195T>C, p.Cys15399Arg (NM_133437.4); short protein forms C15207R, C15399R, C21704R, C24272R, C15332R, C22631R.
Identifiers: ClinVar variation 1741496 (VCV001741496.2), dbSNP rs1559424305, ClinGen allele CA349645368.
Genomic context (GRCh38, chr2:178,573,318, plus strand): 5'-CATGTCCTTCTGTCAGTCCAGACACTTTATATCTTAAATCAGTAAGAGTTTTTTTGTTGC[A>G]TTTAATCCAGCGTTGGCCAGCTTTATCACGCCGTTCCACAATATAATTGATGATTTCACT-3'
Protein context (NP_001254479.2, residues 24262-24282): RDKAGQRWIK[Cys24272Arg]NKKTLTDLRY

ClinVar aggregate classification (germline): Uncertain significance (1 of 4 stars; one submission).

Conditions:
Cardiovascular phenotype. Identifiers: MedGen CN230736.

Submission:

Ambry Genetics
Classification: Uncertain significance for Cardiovascular phenotype. Last evaluated: 2020-05-12. Review status: criteria provided, single submitter. Criteria: Ambry Variant Classification Scheme 2023. Collection method: clinical testing. Allele origin: germline.
Comment: The p.C15207R variant (also known as c.45619T>C), located in coding exon 153 of the TTN gene, results from a T to C substitution at nucleotide position 45619. The cysteine at codon 15207 is replaced by arginine, an amino acid with highly dissimilar properties. This amino acid position is highly conserved in available vertebrate species. In addition, the in silico prediction for this alteration is inconclusive. Since supporting evidence is limited at this time, the clinical significance of this alteration remains unclear.